The following is an entry in ClinVar:

ClinVar aggregate classification (germline): Uncertain significance. Review status: criteria provided, multiple submitters, no conflicts (2 of 4 stars). 2 submissions from 2 submitters: Uncertain significance (2). Last evaluated 2025-07-07.

Conditions:
Hereditary cancer-predisposing syndrome. Also called: Neoplastic Syndromes, Hereditary; Hereditary Cancer Syndrome; Tumor predisposition; Hereditary neoplastic syndrome. Identifiers: Orphanet 140162, MedGen C0027672, MeSH D009386, MONDO:0015356.

Allele frequency attached by ClinVar (database versions not stated): TOPMed below 0.00001.
gnomAD v4.1: 1 of 1,613,584 alleles (0.000062%); highest among the groups gnomAD compares: Non-Finnish European, 0.000085%; no homozygotes.

Submissions (2):

Labcorp Genetics (formerly Invitae), Labcorp
Classification: Uncertain significance. Last evaluated: 2025-07-07. Review status: criteria provided, single submitter. Criteria: Invitae Variant Classification Sherloc (09022015). Collection method: clinical testing. Allele origin: germline.
Comment: This sequence change replaces proline, which is neutral and non-polar, with serine, which is neutral and polar, at codon 564 of the POLE protein (p.Pro564Ser). This variant is not present in population databases (gnomAD no frequency). This variant has not been reported in the literature in individuals affected with POLE-related conditions. ClinVar contains an entry for this variant (Variation ID: 971768). Invitae Evidence Modeling of protein sequence and biophysical properties (such as structural, functional, and spatial information, amino acid conservation, physicochemical variation, residue mobility, and thermodynamic stability) indicates that this missense variant is not expected to disrupt POLE protein function with a negative predictive value of 80%. In summary, the available evidence is currently insufficient to determine the role of this variant in disease. Therefore, it has been classified as a Variant of Uncertain Significance.

Ambry Genetics
Classification: Uncertain significance for Hereditary cancer-predisposing syndrome. Last evaluated: 2025-06-28. Review status: criteria provided, single submitter. Criteria: Ambry Variant Classification Scheme 2023. Collection method: clinical testing. Allele origin: germline.
Comment: The p.P564S variant (also known as c.1690C>T), located in coding exon 16 of the POLE gene, results from a C to T substitution at nucleotide position 1690. The proline at codon 564 is replaced by serine, an amino acid with similar properties. This amino acid position is conserved. In addition, the in silico prediction for this alteration is inconclusive. Based on the available evidence, the clinical significance of this variant remains unclear.

NM_006231.4(POLE):c.1690C>T (p.Pro564Ser)

Gene: POLE (DNA polymerase epsilon, catalytic subunit; minus strand). Cytogenetic location: 12q24.33.
Variant type: single nucleotide variant.
Coding change: c.1690C>T on transcript NM_006231.4 (MANE Select); coding-DNA position 1690, C replaced by T.
Protein change: p.Pro564Ser; replaces proline 564 with serine.
Molecular consequence: missense variant.
Genome position (GRCh38, 1-based): chr12:132,672,319, G>A on the plus strand (C>T on the coding strand, the complement: POLE is on the minus strand). VCF-style: chr12-132672319-G-A. GRCh37 (hg19) VCF-style: chr12-133248905-G-A.
Other names: c.1690C>T (NM_006231.2); short protein forms P564S.
Identifiers: ClinVar variation 971768 (VCV000971768.11), dbSNP rs1465675256, ClinGen allele CA387356417.